The following is an entry in ClinVar:

ClinVar aggregate classification (germline): Uncertain significance. Review status: criteria provided, multiple submitters, no conflicts (2 of 4 stars). 2 submissions from 2 submitters: Uncertain significance (2). Last evaluated 2025-10-01.

Conditions:
Inborn genetic diseases. Identifiers: MedGen C0950123, MeSH D030342.

Allele frequency attached by ClinVar (database versions not stated): gnomAD exomes 0.00001; TOPMed 0.00002.
gnomAD v4.1: 8 of 1,614,022 alleles (0.0005%); highest among the groups gnomAD compares: Non-Finnish European, 0.00068%; no homozygotes.

Submissions (2):

Labcorp Genetics (formerly Invitae), Labcorp
Classification: Uncertain significance. Last evaluated: 2025-10-01. Review status: criteria provided, single submitter. Criteria: Invitae Variant Classification Sherloc (09022015). Collection method: clinical testing. Allele origin: germline.
Comment: This sequence change replaces lysine, which is basic and polar, with isoleucine, which is neutral and non-polar, at codon 37 of the RNF168 protein (p.Lys37Ile). This variant is not present in population databases (gnomAD no frequency). This variant has not been reported in the literature in individuals affected with RNF168-related conditions. ClinVar contains an entry for this variant (Variation ID: 1910661). An algorithm developed to predict the effect of missense changes on protein structure and function (PolyPhen-2) suggests that this variant is likely to be tolerated. In summary, the available evidence is currently insufficient to determine the role of this variant in disease. Therefore, it has been classified as a Variant of Uncertain Significance.

Ambry Genetics
Classification: Uncertain significance for Inborn genetic diseases. Last evaluated: 2025-09-22. Review status: criteria provided, single submitter. Criteria: Ambry Variant Classification Scheme 2023. Collection method: clinical testing. Allele origin: germline.

NM_152617.4(RNF168):c.110A>T (p.Lys37Ile)

Gene: RNF168 (ring finger protein 168; minus strand). Cytogenetic location: 3q29.
Variant type: single nucleotide variant.
Coding change: c.110A>T on transcript NM_152617.4 (MANE Select); coding-DNA position 110, A replaced by T.
Protein change: p.Lys37Ile; replaces lysine 37 with isoleucine.
Molecular consequence: missense variant.
Genome position (GRCh38, 1-based): chr3:196,503,064, T>A on the plus strand (A>T on the coding strand, the complement: RNF168 is on the minus strand). VCF-style: chr3-196503064-T-A. GRCh37 (hg19) VCF-style: chr3-196229935-T-A.
Other names: short protein forms K37I.
Identifiers: ClinVar variation 1910661 (VCV001910661.6), dbSNP rs1428482662, ClinGen allele CA355628211.